The following is an entry in ClinVar:

NM_000199.5(SGSH):c.503A>C (p.Asp168Ala)

Gene: SGSH (N-sulfoglucosamine sulfohydrolase; minus strand). Cytogenetic location: 17q25.3.
Variant type: single nucleotide variant.
Coding change: c.503A>C on transcript NM_000199.5 (MANE Select); coding-DNA position 503, A replaced by C.
Protein change: p.Asp168Ala; replaces aspartic acid 168 with alanine.
Molecular consequence: missense variant. On other transcripts: non-coding transcript variant (1).
Genome position (GRCh38, 1-based): chr17:80,214,618, T>G on the plus strand (A>C on the coding strand, the complement: SGSH is on the minus strand). VCF-style: chr17-80214618-T-G. GRCh37 (hg19) VCF-style: chr17-78188417-T-G.
Other names: c.503A>C, p.Asp168Ala (NM_001352921.3, NM_001352922.2); c.503A>C (NM_000199.3); short protein forms D168A.
Identifiers: ClinVar variation 1407710 (VCV001407710.4), dbSNP rs774333201, ClinGen allele CA8818001.

ClinVar aggregate classification (germline): Uncertain significance. Review status: criteria provided, multiple submitters, no conflicts (2 of 4 stars). 2 submissions from 2 submitters: Uncertain significance (2). Last evaluated 2024-11-09.

Conditions:
Inborn genetic diseases. Identifiers: MedGen C0950123, MeSH D030342.
Mucopolysaccharidosis, MPS-III-A (MPS3A). Also called: Mucopolysaccharidosis, type IIIA; mucopolysaccharidosis type 3A; MPS IIIA (Sanfilippo Syndrome Type A); HEPARAN SULFATE SULFATASE DEFICIENCY; Mucopolysaccharidosis type IIIA (Sanfilippo A); SANFILIPPO SYNDROME A. Identifiers: Orphanet 581, Orphanet 79269, MedGen C0086647, MONDO:0009655, OMIM 252900.

Allele frequency attached by ClinVar (database versions not stated): gnomAD 0.00001; ExAC 0.00002; gnomAD exomes 0.00001; TOPMed below 0.00001.
gnomAD v4.1: 7 of 1,612,576 alleles (0.00043%); highest among the groups gnomAD compares: Non-Finnish European, 0.00059%; no homozygotes.

Submissions (2):

Ambry Genetics
Classification: Uncertain significance for Inborn genetic diseases. Last evaluated: 2024-11-09. Review status: criteria provided, single submitter. Criteria: Ambry Variant Classification Scheme 2023. Collection method: clinical testing. Allele origin: germline.

Labcorp Genetics (formerly Invitae), Labcorp
Classification: Uncertain significance for Mucopolysaccharidosis, MPS-III-A. Last evaluated: 2022-03-09. Review status: criteria provided, single submitter. Criteria: Invitae Variant Classification Sherloc (09022015). Collection method: clinical testing. Allele origin: germline.
Comment: This sequence change replaces aspartic acid, which is acidic and polar, with alanine, which is neutral and non-polar, at codon 168 of the SGSH protein (p.Asp168Ala). This variant is present in population databases (rs774333201, gnomAD 0.003%). This variant has not been reported in the literature in individuals affected with SGSH-related conditions. Algorithms developed to predict the effect of missense changes on protein structure and function (SIFT, PolyPhen-2, Align-GVGD) all suggest that this variant is likely to be tolerated. In summary, the available evidence is currently insufficient to determine the role of this variant in disease. Therefore, it has been classified as a Variant of Uncertain Significance.